The following is an entry in ClinVar:

NM_002894.3(RBBP8):c.604+1G>T

Gene: RBBP8 (RB binding protein 8, endonuclease; plus strand). Cytogenetic location: 18q11.2.
Variant type: single nucleotide variant.
Coding change: c.604+1G>T on transcript NM_002894.3 (MANE Select); the canonical splice donor site of the intron after coding-DNA position 604, G replaced by T.
Molecular consequence: splice donor variant.
Genome position (GRCh38, 1-based): chr18:22,982,394, G>T. VCF-style: chr18-22982394-G-T. GRCh37 (hg19) VCF-style: chr18-20562357-G-T.
Other names: c.604+1G>T (NM_203292.2, NM_203291.2).
Identifiers: ClinVar variation 130101 (VCV000130101.10), dbSNP rs587780432, ClinGen allele CA154888.
Genomic context (GRCh38, chr18:22,982,394, plus strand): 5'-CCCATGTCCGATACATAGAACAAACACATACTAAATTGGAGCACTCTGTGTGTGCAAATG[G>T]TAAGAGTTGGAGTTGTATTTTAGTTCTCTGGTTTTGTAAACCAGTGTTCATCTACTAGTT-3'

ClinVar aggregate classification (germline): Conflicting classifications of pathogenicity. Review status: criteria provided, conflicting classifications (1 of 4 stars). 2 submissions from 2 submitters: Pathogenic (1); Uncertain significance (1). Last evaluated 2022-06-14.

Conditions:
Seckel syndrome 2 (SCKL2). Also called: SECKEL-TYPE DWARFISM 2; MICROCEPHALIC PRIMORDIAL DWARFISM 2. Identifiers: Orphanet 808, MedGen C1847572, MONDO:0011715, OMIM 606744.

Allele frequency attached by ClinVar (database versions not stated): gnomAD exomes below 0.00001; TOPMed 0.00001.
gnomAD v4.1: 4 of 1,613,862 alleles (0.00025%); highest among the groups gnomAD compares: Admixed American, 0.0017%; no homozygotes.

Submissions (2):

Labcorp Genetics (formerly Invitae), Labcorp
Classification: Uncertain significance. Last evaluated: 2022-06-14. Review status: criteria provided, single submitter. Criteria: Invitae Variant Classification Sherloc (09022015). Collection method: clinical testing. Allele origin: germline.
Comment: This sequence change affects a donor splice site in intron 7 of the RBBP8 gene. It is expected to disrupt RNA splicing. Variants that disrupt the donor or acceptor splice site typically lead to a loss of protein function (PMID: 16199547), however the current clinical and genetic evidence is not sufficient to establish whether loss-of-function variants in RBBP8 cause disease. This variant is not present in population databases (gnomAD no frequency). This variant has not been reported in the literature in individuals affected with RBBP8-related conditions. ClinVar contains an entry for this variant (Variation ID: 130101). Algorithms developed to predict the effect of sequence changes on RNA splicing suggest that this variant may disrupt the consensus splice site. In summary, the available evidence is currently insufficient to determine the role of this variant in disease. Therefore, it has been classified as a Variant of Uncertain Significance.

Genetic Services Laboratory, University of Chicago
Classification: Pathogenic for Seckel syndrome 2. Last evaluated: 2013-04-23. Review status: criteria provided, single submitter. Criteria: ACMG Guidelines, 2007. Collection method: clinical testing. Allele origin: germline. Inheritance: Autosomal recessive inheritance. Affected: yes.

Literature cited by the submitters: PubMed 16199547 (cited by Labcorp Genetics (formerly Invitae), Labcorp).